The following is an entry in ClinVar:

NM_012431.3(SEMA3E):c.113A>G (p.Lys38Arg)

Gene: SEMA3E (semaphorin 3E; minus strand). Cytogenetic location: 7q21.11.
Variant type: single nucleotide variant.
Coding change: c.113A>G on transcript NM_012431.3 (MANE Select); coding-DNA position 113, A replaced by G.
Protein change: p.Lys38Arg; replaces lysine 38 with arginine.
Molecular consequence: missense variant.
Genome position (GRCh38, 1-based): chr7:83,648,430, T>C on the plus strand (A>G on the coding strand, the complement: SEMA3E is on the minus strand). VCF-style: chr7-83648430-T-C. GRCh37 (hg19) VCF-style: chr7-83277746-T-C.
Other names: short protein forms K38R.
Identifiers: ClinVar variation 3354001 (VCV003354001.1).

ClinVar aggregate classification (germline): Uncertain significance (0 of 4 stars; one submission).

Conditions:
SEMA3E-related disorder. Also called: SEMA3E-related condition.

Submission:

PreventionGenetics, part of Exact Sciences
Classification: Uncertain significance for SEMA3E-related condition. Last evaluated: 2023-11-29. Review status: no assertion criteria provided. Collection method: clinical testing. Allele origin: germline.
Comment: The SEMA3E c.113A>G variant is predicted to result in the amino acid substitution p.Lys38Arg. To our knowledge, this variant has not been reported in the literature or in a large population database, indicating this variant is rare. At this time, the clinical significance of this variant is uncertain due to the absence of conclusive functional and genetic evidence.